The following is an entry in ClinVar:

ClinVar aggregate classification (germline): Benign/Likely benign. Review status: criteria provided, multiple submitters, no conflicts (2 of 4 stars). 12 submissions from 12 submitters: Benign (6); Likely benign (4). 2 of the submissions do not count toward it. Last evaluated 2026-02-03.

Conditions:
Charcot-Marie-Tooth disease. Also called: Charcot-Marie-Tooth Hereditary Neuropathy; Charcot-Marie-Tooth Neuropathy. Identifiers: Orphanet 166, MedGen C0007959, MONDO:0015626.
Charcot-Marie-Tooth disease type 4. Also called: Charcot-Marie-Tooth disease, type IV; Charcot-Marie-Tooth, Type 4. Identifiers: Orphanet 64749, MedGen C4082197, MONDO:0018995.
Charcot-Marie-Tooth disease type 4F. Also called: Charcot-Marie-Tooth disease, demyelinating, type 4F. Identifiers: Orphanet 99952, MedGen C3540453, MONDO:0013959, OMIM 614895.

Allele frequency attached by ClinVar (database versions not stated): 1000 Genomes Project 0.00439; 1000 Genomes Project 30x 0.00453; ESP Exome Variant Server 0.01137; gnomAD 0.01346 and 0.01410; TOPMed 0.01347.
gnomAD v4.1: 27,343 of 1,541,072 alleles (1.8%); highest among the groups gnomAD compares: Non-Finnish European, 2.1%; 310 homozygotes.

Submissions (12):

Labcorp Genetics (formerly Invitae), Labcorp
Classification: Benign for Charcot-Marie-Tooth disease type 4. Last evaluated: 2026-02-03. Review status: criteria provided, single submitter. Criteria: Invitae Variant Classification Sherloc (09022015). Collection method: clinical testing. Allele origin: germline.

ARUP Laboratories, Molecular Genetics and Genomics, ARUP Laboratories
Classification: Benign. Last evaluated: 2025-07-10. Review status: criteria provided, single submitter. Criteria: ARUP Molecular Germline Variant Investigation Process 2024. Collection method: clinical testing. Allele origin: germline.

Blueprint Genetics
Classification: Likely benign. Last evaluated: 2024-11-28. Review status: criteria provided, single submitter. Criteria: ACMG Guidelines, 2015. Collection method: clinical testing. Allele origin: germline.

Athena Diagnostics
Classification: Benign. Last evaluated: 2024-04-24. Review status: criteria provided, single submitter. Criteria: Athena Diagnostics Criteria. Collection method: clinical testing. Allele origin: unknown.

Illumina Laboratory Services, Illumina
Classification: Likely benign for Charcot-Marie-Tooth disease type 4F. Last evaluated: 2017-04-27. Review status: criteria provided, single submitter. Criteria: ICSL Variant Classification Criteria 13 December 2019. Collection method: clinical testing. Allele origin: germline.
Comment: This variant was observed as part of a predisposition screen in an ostensibly healthy population. A literature search was performed for the gene, cDNA change, and amino acid change (where applicable). No publications were found based on this search. Allele frequency data from public databases allowed determination this variant is unlikely to cause disease. Therefore, this variant is classified as likely benign.

Mayo Clinic Laboratories, Mayo Clinic
Classification: Benign. Last evaluated: 2016-04-20. Review status: criteria provided, single submitter. Criteria: ACMG Guidelines, 2015. Collection method: clinical testing. Allele origin: germline. Observed: 92 variant alleles.

Center for Pediatric Genomic Medicine, Children's Mercy Hospital and Clinics
Classification: Likely benign. Last evaluated: 2015-02-02. Review status: criteria provided, single submitter. Criteria: ACMG Guidelines, 2015. Collection method: clinical testing. Allele origin: germline.
ClinVar note: Converted during submission from Likely Benign to Likely benign.

GeneDx
Classification: Benign. Last evaluated: 2014-03-20. Review status: criteria provided, single submitter. Criteria: GeneDx Variant Classification (06012015). Collection method: clinical testing. Allele origin: germline. Affected: yes.
Comment: This variant is considered likely benign or benign based on one or more of the following criteria: it is a conservative change, it occurs at a poorly conserved position in the protein, it is predicted to be benign by multiple in silico algorithms, and/or has population frequency not consistent with disease.

Breakthrough Genomics
Classification: Likely benign. Review status: criteria provided, single submitter. Criteria: ACMG Guidelines, 2015. Collection method: not provided. Allele origin: germline. Inheritance: Autosomal recessive inheritance. Affected: yes.

Molecular Genetics Laboratory, London Health Sciences Centre
Classification: Benign for Charcot-Marie-Tooth disease. Review status: criteria provided, single submitter. Criteria: ACMG Guidelines, 2015. Collection method: clinical testing. Allele origin: germline. Affected: yes.

Clinical Genetics, Academic Medical Center
Classification: Benign. Review status: no assertion criteria provided. Collection method: clinical testing. Allele origin: germline. Affected: yes. Study: VKGL Data-share Consensus. Not counted in ClinVar's aggregate classification.

Genome Diagnostics Laboratory, University Medical Center Utrecht
Classification: Benign. Review status: no assertion criteria provided. Collection method: clinical testing. Allele origin: germline. Affected: yes. Study: VKGL Data-share Consensus. Not counted in ClinVar's aggregate classification.

NM_181882.3(PRX):c.731C>T (p.Ala244Val)

Gene: PRX (periaxin; minus strand). Cytogenetic location: 19q13.2.
Variant type: single nucleotide variant.
Coding change: c.731C>T on transcript NM_181882.3 (MANE Select); coding-DNA position 731, C replaced by T.
Protein change: p.Ala244Val; replaces alanine 244 with valine.
Molecular consequence: missense variant. On other transcripts: 3 prime UTR variant (1).
Genome position (GRCh38, 1-based): chr19:40,397,621, G>A on the plus strand (C>T on the coding strand, the complement: PRX is on the minus strand). VCF-style: chr19-40397621-G-A. GRCh37 (hg19) VCF-style: chr19-40903528-G-A.
Other names: p.A244V:GCG>GTG; p.Ala244Val; c.*936C>T (NM_020956.2); short protein forms A244V.
Identifiers: ClinVar variation 138817 (VCV000138817.37), dbSNP rs118071705, ClinGen allele CA292923.